The following is an entry in ClinVar:

ClinVar aggregate classification (germline): Uncertain significance (1 of 4 stars; one submission).

Conditions:
Spastic paraplegia. Identifiers: MedGen C0037772, HP:0001258.

Allele frequency attached by ClinVar (database versions not stated): gnomAD exomes 0.00001.

Submission:

Labcorp Genetics (formerly Invitae), Labcorp
Classification: Uncertain significance for Spastic paraplegia. Last evaluated: 2023-07-10. Review status: criteria provided, single submitter. Criteria: Invitae Variant Classification Sherloc (09022015). Collection method: clinical testing. Allele origin: germline.
Comment: This sequence change replaces leucine, which is neutral and non-polar, with phenylalanine, which is neutral and non-polar, at codon 523 of the CYP2U1 protein (p.Leu523Phe). This variant is present in population databases (no rsID available, gnomAD 0.0009%). This variant has not been reported in the literature in individuals affected with CYP2U1-related conditions. ClinVar contains an entry for this variant (Variation ID: 2076423). Advanced modeling of protein sequence and biophysical properties (such as structural, functional, and spatial information, amino acid conservation, physicochemical variation, residue mobility, and thermodynamic stability) performed at Invitae indicates that this missense variant is not expected to disrupt CYP2U1 protein function. In summary, the available evidence is currently insufficient to determine the role of this variant in disease. Therefore, it has been classified as a Variant of Uncertain Significance.

NM_183075.3(CYP2U1):c.1567C>T (p.Leu523Phe)

Gene: CYP2U1 (cytochrome P450 family 2 subfamily U member 1; plus strand). Cytogenetic location: 4q25.
Variant type: single nucleotide variant.
Coding change: c.1567C>T on transcript NM_183075.3 (MANE Select); coding-DNA position 1567, C replaced by T.
Protein change: p.Leu523Phe; replaces leucine 523 with phenylalanine.
Molecular consequence: missense variant.
Genome position (GRCh38, 1-based): chr4:107,950,355, C>T. VCF-style: chr4-107950355-C-T. GRCh37 (hg19) VCF-style: chr4-108871511-C-T.
Other names: short protein forms L523F.
Identifiers: ClinVar variation 2076423 (VCV002076423.2), dbSNP rs1433752071, ClinGen allele CA357839814.